The following is an entry in ClinVar:

NM_000059.4(BRCA2):c.430G>C (p.Val144Leu)

Gene: BRCA2 (BRCA2 DNA repair associated; plus strand). Cytogenetic location: 13q13.1.
Variant type: single nucleotide variant.
Coding change: c.430G>C on transcript NM_000059.4 (MANE Select); coding-DNA position 430, G replaced by C.
Protein change: p.Val144Leu; replaces valine 144 with leucine.
Molecular consequence: missense variant. On other transcripts: non-coding transcript variant (1).
Genome position (GRCh38, 1-based): chr13:32,326,105, G>C. VCF-style: chr13-32326105-G-C. GRCh37 (hg19) VCF-style: chr13-32900242-G-C.
Other names: c.430G>C, p.Val144Leu (NM_001406719.1, NM_001406720.1, NM_001406721.1 and 1 more transcripts); c.61G>C, p.Val21Leu (NM_001406722.1); short protein forms V144L, V21L.
Identifiers: ClinVar variation 5033321 (VCV005033321.1).

ClinVar aggregate classification (germline): Uncertain significance (1 of 4 stars; one submission).

Conditions:
Hereditary cancer-predisposing syndrome. Also called: Neoplastic Syndromes, Hereditary; Tumor predisposition; Hereditary neoplastic syndrome; Hereditary Cancer Syndrome. Identifiers: Orphanet 140162, MedGen C0027672, MeSH D009386, MONDO:0015356.

Submission:

Ambry Genetics
Classification: Uncertain significance for Hereditary cancer-predisposing syndrome. Last evaluated: 2026-07-25. Review status: criteria provided, single submitter. Criteria: Ambry Variant Classification Scheme 2023. Collection method: clinical testing. Allele origin: germline.
Comment: The p.V144L variant (also known as c.430G>C), located in coding exon 4 of the BRCA2 gene, results from a G to C substitution at nucleotide position 430. The valine at codon 144 is replaced by leucine, an amino acid with highly similar properties. This amino acid position is conserved. In addition, this alteration is predicted to be tolerated by in silico analysis. Based on the available evidence, the clinical significance of this variant remains unclear.